The following is an entry in ClinVar:

NM_001379500.1(COL18A1):c.107-12599C>G

Gene: COL18A1 (collagen type XVIII alpha 1 chain; plus strand). Cytogenetic location: 21q22.3.
Variant type: single nucleotide variant.
Coding change: c.107-12599C>G on transcript NM_001379500.1 (MANE Select); 12599 bases into the intron before coding-DNA position 107, C replaced by G.
Molecular consequence: intron variant. On other transcripts: missense variant (2).
Genome position (GRCh38, 1-based): chr21:45,455,643, C>G. VCF-style: chr21-45455643-C-G. GRCh37 (hg19) VCF-style: chr21-46875557-C-G.
Other names: c.113C>G, p.Thr38Ser (NM_030582.4, NM_130444.3); short protein forms T38S.
Identifiers: ClinVar variation 1514274 (VCV001514274.6), dbSNP rs758784072, ClinGen allele CA10065388.

ClinVar aggregate classification (germline): Uncertain significance (1 of 4 stars; one submission).

Allele frequency attached by ClinVar (database versions not stated): gnomAD exomes 0.00001; ExAC 0.00001.
gnomAD v4.1: 3 of 1,613,958 alleles (0.00019%); highest among the groups gnomAD compares: Admixed American, 0.0017%; no homozygotes.

Submission:

Labcorp Genetics (formerly Invitae), Labcorp
Classification: Uncertain significance. Last evaluated: 2025-03-10. Review status: criteria provided, single submitter. Criteria: Invitae Variant Classification Sherloc (09022015). Collection method: clinical testing. Allele origin: germline.
Comment: The COL18A1 gene has multiple clinically relevant transcripts. This variant occurs in alternate transcript NM_030582.3, and corresponds to NM_130445.2:c.107-12599C>G in the primary transcript. This sequence change replaces threonine, which is neutral and polar, with serine, which is neutral and polar, at codon 38 of the COL18A1 protein (p.Thr38Ser). This variant is present in population databases (rs758784072, gnomAD no frequency). This variant has not been reported in the literature in individuals affected with COL18A1-related conditions. ClinVar contains an entry for this variant (Variation ID: 1514274). Experimental studies and prediction algorithms are not available or were not evaluated, and the functional significance of this variant is currently unknown. Algorithms developed to predict the effect of sequence changes on RNA splicing suggest that this variant is not likely to affect RNA splicing. In summary, the available evidence is currently insufficient to determine the role of this variant in disease. Therefore, it has been classified as a Variant of Uncertain Significance.